The following is an entry in ClinVar:

NM_000443.4(ABCB4):c.2162A>G (p.Asn721Ser)

Gene: ABCB4 (ATP binding cassette subfamily B member 4; minus strand). Cytogenetic location: 7q21.12.
Variant type: single nucleotide variant.
Coding change: c.2162A>G on transcript NM_000443.4 (MANE Select); coding-DNA position 2162, A replaced by G.
Protein change: p.Asn721Ser; replaces asparagine 721 with serine.
Molecular consequence: missense variant.
Genome position (GRCh38, 1-based): chr7:87,423,955, T>C on the plus strand (A>G on the coding strand, the complement: ABCB4 is on the minus strand). VCF-style: chr7-87423955-T-C. GRCh37 (hg19) VCF-style: chr7-87053271-T-C.
Other names: c.2162A>G (NM_000443.3); c.2162A>G, p.Asn721Ser (NM_018849.3, NM_018850.3); short protein forms N721S.
Identifiers: ClinVar variation 3715740 (VCV003715740.2).
Genomic context (GRCh38, chr7:87,423,955, plus strand): 5'-TGCAAACTTACCGCTATGATCTCTGAGAATATGACTGAAAATGCCGGCTGAAGCCCCCCA[T>C]TGGCAATGGCACATACTGTTCCCACGACAAAGTAGGGCCATTCTGTTTTATTCAGTTTCA-3'
Protein context (NP_000434.1, residues 711-731): FVVGTVCAIA[Asn721Ser]GGLQPAFSVI

ClinVar aggregate classification (germline): Uncertain significance. Review status: criteria provided, multiple submitters, no conflicts (2 of 4 stars). 2 submissions from 2 submitters: Uncertain significance (2). Last evaluated 2026-02-11.

Conditions:
ABCB4-related disorder. Also called: ABCB4-related disorders; ABCB4-related condition.

gnomAD v4.1: 9 of 1,614,094 alleles (0.00056%); highest among the groups gnomAD compares: South Asian, 0.0022%; no homozygotes.

Submissions (2):

PreventionGenetics, part of Exact Sciences
Classification: Uncertain significance for ABCB4-related condition. Last evaluated: 2026-02-11. Review status: criteria provided, single submitter. Criteria: ACMG Guidelines, 2015. Collection method: clinical testing. Allele origin: germline.
Comment: The ABCB4 c.2162A>G variant is predicted to result in the amino acid substitution p.Asn721Ser. To our knowledge, this variant has not been reported in the literature or in a large population database (gnomAD), indicating this variant is rare. At this time, the clinical significance of this variant is uncertain due to the absence of conclusive functional and genetic evidence.

Labcorp Genetics (formerly Invitae), Labcorp
Classification: Uncertain significance. Last evaluated: 2024-06-25. Review status: criteria provided, single submitter. Criteria: Invitae Variant Classification Sherloc (09022015). Collection method: clinical testing. Allele origin: germline.
Comment: This sequence change replaces asparagine, which is neutral and polar, with serine, which is neutral and polar, at codon 721 of the ABCB4 protein (p.Asn721Ser). This variant is present in population databases (rs751353199, gnomAD 0.0009%). This variant has not been reported in the literature in individuals affected with ABCB4-related conditions. Advanced modeling of protein sequence and biophysical properties (such as structural, functional, and spatial information, amino acid conservation, physicochemical variation, residue mobility, and thermodynamic stability) has been performed at Invitae for this missense variant, however the output from this modeling did not meet the statistical confidence thresholds required to predict the impact of this variant on ABCB4 protein function. In summary, the available evidence is currently insufficient to determine the role of this variant in disease. Therefore, it has been classified as a Variant of Uncertain Significance.